The following is an entry in ClinVar:

NM_152383.5(DIS3L2):c.959C>G (p.Ala320Gly)

Gene: DIS3L2 (DIS3 like 3'-5' exoribonuclease 2; plus strand). Cytogenetic location: 2q37.1.
Variant type: single nucleotide variant.
Coding change: c.959C>G on transcript NM_152383.5 (MANE Select); coding-DNA position 959, C replaced by G.
Protein change: p.Ala320Gly; replaces alanine 320 with glycine.
Molecular consequence: missense variant. On other transcripts: non-coding transcript variant (2).
Genome position (GRCh38, 1-based): chr2:232,163,467, C>G. VCF-style: chr2-232163467-C-G. GRCh37 (hg19) VCF-style: chr2-233028177-C-G.
Other names: c.959C>G, p.Ala320Gly (NM_001257281.2); short protein forms A320G.
Identifiers: ClinVar variation 1720855 (VCV001720855.5), dbSNP rs2469895426, ClinGen allele CA351154172.

ClinVar aggregate classification (germline): Uncertain significance (1 of 4 stars; one submission).

Conditions:
Perlman syndrome (PRLMNS). Identifiers: Orphanet 2849, MedGen C0796113, MONDO:0009965, OMIM 267000.

Submission:

Labcorp Genetics (formerly Invitae), Labcorp
Classification: Uncertain significance for Perlman syndrome. Last evaluated: 2022-12-19. Review status: criteria provided, single submitter. Criteria: Invitae Variant Classification Sherloc (09022015). Collection method: clinical testing. Allele origin: germline.
Comment: In summary, the available evidence is currently insufficient to determine the role of this variant in disease. Therefore, it has been classified as a Variant of Uncertain Significance. Advanced modeling of protein sequence and biophysical properties (such as structural, functional, and spatial information, amino acid conservation, physicochemical variation, residue mobility, and thermodynamic stability) performed at Invitae indicates that this missense variant is not expected to disrupt DIS3L2 protein function. ClinVar contains an entry for this variant (Variation ID: 1720855). This variant has not been reported in the literature in individuals affected with DIS3L2-related conditions. This variant is not present in population databases (gnomAD no frequency). This sequence change replaces alanine, which is neutral and non-polar, with glycine, which is neutral and non-polar, at codon 320 of the DIS3L2 protein (p.Ala320Gly).